The following is an entry in ClinVar:

ClinVar aggregate classification (germline): Uncertain significance (1 of 4 stars; one submission).

Submission:

GeneDx
Classification: Uncertain significance. Last evaluated: 2024-12-10. Review status: criteria provided, single submitter. Criteria: GeneDx Variant Classification Process June 2021. Collection method: clinical testing. Allele origin: germline. Affected: yes.
Comment: Reported in a patient with a developmental disorder in the published literature who also had a variant in another gene that may have been responsible for the phenotype (PMID: 33057194); Not observed at significant frequency in large population cohorts (gnomAD); In silico analysis supports that this missense variant has a deleterious effect on protein structure/function; This variant is associated with the following publications: (PMID: 35982159, 33057194)

NM_001271.4(CHD2):c.1858C>T (p.His620Tyr)

Gene: CHD2 (chromodomain helicase DNA binding protein 2; plus strand). Cytogenetic location: 15q26.1.
Variant type: single nucleotide variant.
Coding change: c.1858C>T on transcript NM_001271.4 (MANE Select); coding-DNA position 1858, C replaced by T.
Protein change: p.His620Tyr; replaces histidine 620 with tyrosine.
Molecular consequence: missense variant.
Genome position (GRCh38, 1-based): chr15:92,956,507, C>T. VCF-style: chr15-92956507-C-T. GRCh37 (hg19) VCF-style: chr15-93499737-C-T.
Other names: short protein forms H620Y.
Identifiers: ClinVar variation 3903268 (VCV003903268.1).